The following is an entry in ClinVar:

ClinVar aggregate classification (germline): Uncertain significance (1 of 4 stars; one submission).

Conditions:
Sifrim-Hitz-Weiss syndrome (SIHIWES). Also called: CHD4 Neurodevelopmental Disorder; SIFRIM-HITZ-WEISS MULTIPLE CONGENITAL ANOMALIES-MENTAL RETARDATION SYNDROME. Identifiers: Orphanet 653712, MedGen C4310688, MONDO:0014946, OMIM 617159.

Allele frequency attached by ClinVar (database versions not stated): TOPMed below 0.00001.

Submission:

Victorian Clinical Genetics Services, Murdoch Childrens Research Institute
Classification: Uncertain significance for Sifrim-Hitz-Weiss syndrome. Last evaluated: 2020-05-21. Review status: criteria provided, single submitter. Criteria: ACMG Guidelines, 2015. Collection method: clinical testing. Allele origin: germline. Inheritance: Autosomal dominant inheritance. Affected: yes.
Comment: Based on the classification scheme VCGS_Germline_v1.1.1, this variant is classified as VUS–3B. Following criteria are met: 0102 - Loss-of-function is a known mechanism of disease for this gene. (N) 0107 - This gene is known to be associated with autosomal dominant disease. (N) 0200 - Variant is predicted to result in a missense amino acid change from a proline to a serine (exon 31). (N) 0251 - Variant is heterozygous. (N) 0301 - Variant is absent from gnomAD. (P) 0309 - An alternative amino acid change at the same position has been observed in gnomAD (1 heterozygote, 0 homozygote). (N) 0502 - Missense variant with conflicting in silico predictions and uninformative conservation. (N) 0600 - Variant is located in an annotated domain or motif, the DUF4775 superfamily domain (NCBI). (N) 0705 - No comparable variants have previous evidence for pathogenicity. (N) 0807 - Variant has not previously been reported in a clinical context. (N) 0905 - No segregation evidence has been identified for this variant. (N) 1007 - No published functional evidence has been identified for this variant. (N) 1208 – Inheritance information for this variant is not currently available. (N) Legend: (P) - Pathogenic, (N) - Neutral, (B) - Benign

NM_001273.5(CHD4):c.4612C>T (p.Pro1538Ser)

Genes: CHD4 (chromodomain helicase DNA binding protein 4; minus strand), CHD4-AS1 (CHD4 antisense RNA 1; plus strand). Cytogenetic location: 12p13.31.
Variant type: single nucleotide variant.
Coding change: c.4612C>T on transcript NM_001273.5 (MANE Select); coding-DNA position 4612, C replaced by T.
Protein change: p.Pro1538Ser; replaces proline 1538 with serine.
Molecular consequence: missense variant.
Genome position (GRCh38, 1-based): chr12:6,581,718, G>A on the plus strand (C>T on the coding strand, the complement: CHD4 is on the minus strand). VCF-style: chr12-6581718-G-A. GRCh37 (hg19) VCF-style: chr12-6690884-G-A.
Other names: c.4591C>T, p.Pro1531Ser (NM_001297553.2); c.4573C>T, p.Pro1525Ser (NM_001363606.2); short protein forms P1525S, P1531S, P1538S.
Identifiers: ClinVar variation 1805510 (VCV001805510.2), dbSNP rs990829830, ClinGen allele CA232386823.
Genomic context (GRCh38, chr12:6,581,718, plus strand): 5'-GGACAGGTGCAGGAGTGTTGGGCTGCGTGTCCCCTGGAGTGGAGGGTGTAGGAGTTTTTG[G>A]GGAGGGTGACCCTGGCTGGGACATCTTCTTGTTTTCCTCCACCTCAGCCAGTTCAGGCAT-3'
Protein context (NP_001264.2, residues 1528-1548): KKMSQPGSPS[Pro1538Ser]KTPTPSTPGD